The following is an entry in ClinVar:

ClinVar aggregate classification (germline): Pathogenic (1 of 4 stars; one submission).

Conditions:
Telangiectasia, hereditary hemorrhagic, type 2 (HHT2). Also called: ACVRL1-Related Hereditary Hemorrhagic Telangiectasia; Telangiectasia, hereditary hemorrhagic, type II. Identifiers: Orphanet 774, MedGen C1838163, MONDO:0010880, OMIM 600376. Disease mechanism: loss of function.

Submission:

Labcorp Genetics (formerly Invitae), Labcorp
Classification: Pathogenic for Telangiectasia, hereditary hemorrhagic, type 2. Last evaluated: 2023-01-27. Review status: criteria provided, single submitter. Criteria: Invitae Variant Classification Sherloc (09022015). Collection method: clinical testing. Allele origin: germline.
Comment: For these reasons, this variant has been classified as Pathogenic. This variant disrupts the p.Pro378 amino acid residue in ACVRL1. Other variant(s) that disrupt this residue have been determined to be pathogenic (PMID: 20414677, 21158752, 24196379, 26176610; Invitae). This suggests that this residue is clinically significant, and that variants that disrupt this residue are likely to be disease-causing. Advanced modeling of protein sequence and biophysical properties (such as structural, functional, and spatial information, amino acid conservation, physicochemical variation, residue mobility, and thermodynamic stability) performed at Invitae indicates that this missense variant is expected to disrupt ACVRL1 protein function. This missense change has been observed in individual(s) with hereditary hemorrhagic telangiectasia (PMID: 15712271). In at least one individual the variant was observed to be de novo. It has also been observed to segregate with disease in related individuals. This variant is not present in population databases (gnomAD no frequency). This sequence change replaces proline, which is neutral and non-polar, with histidine, which is basic and polar, at codon 378 of the ACVRL1 protein (p.Pro378His).

Literature cited by the submitters: PubMed 20414677; PubMed 21158752; PubMed 24196379; PubMed 26176610; PubMed 15712271.

NM_000020.3(ACVRL1):c.1133C>A (p.Pro378His)

Gene: ACVRL1 (activin A receptor like type 1; plus strand). Cytogenetic location: 12q13.13.
Variant type: single nucleotide variant.
Coding change: c.1133C>A on transcript NM_000020.3 (MANE Select); coding-DNA position 1133, C replaced by A.
Protein change: p.Pro378His; replaces proline 378 with histidine.
Molecular consequence: missense variant. On other transcripts: intron variant (1).
Genome position (GRCh38, 1-based): chr12:51,916,120, C>A. VCF-style: chr12-51916120-C-A. GRCh37 (hg19) VCF-style: chr12-52309904-C-A.
Other names: c.1133C>A, p.Pro378His (NM_001077401.2, NM_001406487.1, NM_001406488.1 and 1 more transcripts); c.821C>A, p.Pro274His (NM_001406490.1, NM_001406491.1, NM_001406492.1 and 1 more transcripts); c.569C>A, p.Pro190His (NM_001406495.1); c.736+620C>A (NM_001406494.1); short protein forms P190H, P274H, P378H.
Identifiers: ClinVar variation 2735873 (VCV002735873.3), dbSNP rs1940833669, ClinGen allele CA384902488.